The following is an entry in ClinVar:

ClinVar aggregate classification (germline): Uncertain significance. Review status: criteria provided, multiple submitters, no conflicts (2 of 4 stars). 4 submissions from 4 submitters: Uncertain significance (4). Last evaluated 2025-08-11.

Conditions:
Muscular dystrophy-dystroglycanopathy (congenital with brain and eye anomalies), type a, 11 (MDDGA11). Also called: WALKER-WARBURG SYNDROME OR MUSCLE-EYE-BRAIN DISEASE, B3GALNT2-RELATED; Congenital muscular dystrophy-dystroglycanopathy with brain and eye anomalies, type A11; Muscular dystrophy-dystroglycanopathy (congenital with brain and eye anomalies, type A, 11. Identifiers: Orphanet 588, Orphanet 899, MedGen C3554638, MONDO:0014071, OMIM 615181.
Inborn genetic diseases. Identifiers: MedGen C0950123, MeSH D030342.

Allele frequency attached by ClinVar (database versions not stated): ExAC 0.00001; gnomAD 0.00001; gnomAD exomes 0.00001; TOPMed 0.00002.

Submissions (4):

Ambry Genetics
Classification: Uncertain significance for Inborn genetic diseases. Last evaluated: 2025-08-11. Review status: criteria provided, single submitter. Criteria: Ambry Variant Classification Scheme 2023. Collection method: clinical testing. Allele origin: germline.

Labcorp Genetics (formerly Invitae), Labcorp
Classification: Uncertain significance for Muscular dystrophy-dystroglycanopathy (congenital with brain and eye anomalies), type a, 11. Last evaluated: 2021-12-15. Review status: criteria provided, single submitter. Criteria: Invitae Variant Classification Sherloc (09022015). Collection method: clinical testing. Allele origin: germline.
Comment: In summary, the available evidence is currently insufficient to determine the role of this variant in disease. Therefore, it has been classified as a Variant of Uncertain Significance. Algorithms developed to predict the effect of missense changes on protein structure and function (SIFT, PolyPhen-2, Align-GVGD) all suggest that this variant is likely to be tolerated. ClinVar contains an entry for this variant (Variation ID: 1311125). This variant has not been reported in the literature in individuals affected with B3GALNT2-related conditions. This variant is present in population databases (rs753582080, gnomAD 0.002%). This sequence change replaces isoleucine, which is neutral and non-polar, with valine, which is neutral and non-polar, at codon 155 of the B3GALNT2 protein (p.Ile155Val).

GeneDx
Classification: Uncertain significance. Last evaluated: 2019-12-31. Review status: criteria provided, single submitter. Criteria: GeneDx Variant Classification Process June 2021. Collection method: clinical testing. Allele origin: germline. Affected: yes.
Comment: Not observed at a significant frequency in large population cohorts (Lek et al., 2016); In silico analysis, which includes protein predictors and evolutionary conservation, supports that this variant does not alter protein structure/function; Has not been previously published as pathogenic or benign to our knowledge

Revvity Omics, Revvity
Classification: Uncertain significance for Muscular dystrophy-dystroglycanopathy (congenital with brain and eye anomalies), type a, 11. Last evaluated: 2019-03-29. Review status: criteria provided, single submitter. Criteria: ACMG Guidelines, 2015. Collection method: clinical testing. Allele origin: germline.

NM_152490.5(B3GALNT2):c.463A>G (p.Ile155Val)

Gene: B3GALNT2 (beta-1,3-N-acetylgalactosaminyltransferase 2; minus strand). Cytogenetic location: 1q42.3.
Variant type: single nucleotide variant.
Coding change: c.463A>G on transcript NM_152490.5 (MANE Select); coding-DNA position 463, A replaced by G.
Protein change: p.Ile155Val; replaces isoleucine 155 with valine.
Molecular consequence: missense variant.
Genome position (GRCh38, 1-based): chr1:235,484,414, T>C on the plus strand (A>G on the coding strand, the complement: B3GALNT2 is on the minus strand). VCF-style: chr1-235484414-T-C. GRCh37 (hg19) VCF-style: chr1-235647730-T-C.
Other names: c.586A>G, p.Ile196Val (NM_001277155.3); c.463A>G (NM_152490.3); short protein forms I155V, I196V.
Identifiers: ClinVar variation 1311125 (VCV001311125.9), dbSNP rs753582080, ClinGen allele CA1464901.